The following is an entry in ClinVar:

ClinVar aggregate classification (germline): Likely benign. Review status: criteria provided, multiple submitters, no conflicts (2 of 4 stars). 2 submissions from 2 submitters: Likely benign (2). Last evaluated 2022-04-01.

Submissions (2):

CeGaT Center for Human Genetics Tuebingen
Classification: Likely benign. Last evaluated: 2022-04-01. Review status: criteria provided, single submitter. Criteria: CeGaT Center For Human Genetics Tuebingen Variant Classification Criteria Version 2. Collection method: clinical testing. Allele origin: germline. Affected: yes. Observed: 1 variant allele.
Comment: NRXN1: PM2:Supporting, BP4, BP7

GeneDx
Classification: Likely benign. Last evaluated: 2017-08-23. Review status: criteria provided, single submitter. Criteria: GeneDx Variant Classification (06012015). Collection method: clinical testing. Allele origin: germline. Affected: yes.
Comment: This variant is considered likely benign or benign based on one or more of the following criteria: it is a conservative change, it occurs at a poorly conserved position in the protein, it is predicted to be benign by multiple in silico algorithms, and/or has population frequency not consistent with disease.

NM_001330078.2(NRXN1):c.297G>A (p.Glu99=)

Gene: NRXN1 (neurexin 1; minus strand). Cytogenetic location: 2p16.3.
Variant type: single nucleotide variant.
Coding change: c.297G>A on transcript NM_001330078.2 (MANE Select); coding-DNA position 297, G replaced by A.
Protein change: p.Glu99=; no amino-acid change (glutamic acid 99 retained).
Molecular consequence: synonymous variant.
Genome position (GRCh38, 1-based): chr2:51,027,977, C>T on the plus strand (G>A on the coding strand, the complement: NRXN1 is on the minus strand). VCF-style: chr2-51027977-C-T. GRCh37 (hg19) VCF-style: chr2-51255115-C-T.
Other names: c.297G>A, p.Glu99= (NM_001135659.3, NM_001330077.2, NM_001330079.2 and 15 more transcripts).
Identifiers: ClinVar variation 511636 (VCV000511636.25), dbSNP rs1553516705, ClinGen allele CA426129333.
Genomic context (GRCh38, chr2:51,027,977, plus strand): 5'-GATGCGCACGCTGTGCCAGGCGCCGTCGTTAACCGGCGTGTCGGCCAGGAGCGTCGCAGG[C>T]TCAGCGCAGAAGATGGAGAAGCTGAGCTGCAGGCGGCCGCCGCGCGTCAGAATCAGCTCC-3'
Protein context (NP_001317007.1, residues 89-109): LQLSFSIFCA[Glu99=]PATLLADTPV